The following is an entry in ClinVar:

NM_130837.3(OPA1):c.611-30A>G

Genes: OPA1 (OPA1 mitochondrial dynamin like GTPase; plus strand), OPA1-AS1 (OPA1 antisense RNA 1; minus strand). Cytogenetic location: 3q29.
Variant type: single nucleotide variant.
Coding change: c.611-30A>G on transcript NM_130837.3 (MANE Select); 30 bases into the intron before coding-DNA position 611, A replaced by G.
Molecular consequence: intron variant. On other transcripts: non-coding transcript variant (1).
Genome position (GRCh38, 1-based): chr3:193,618,839, A>G. VCF-style: chr3-193618839-A-G. GRCh37 (hg19) VCF-style: chr3-193336628-A-G.
Other names: c.185-30A>G (NM_001354664.2); c.77-30A>G (NM_001354663.2); c.611-30A>G (NM_130834.3); c.557-30A>G (NM_130836.3, NM_015560.3); c.503-30A>G (NM_130835.3, NM_130832.3); c.449-30A>G (NM_130833.3, NM_130831.3).
Identifiers: ClinVar variation 4986574 (VCV004986574.1).

ClinVar aggregate classification (germline): Uncertain significance (1 of 4 stars; one submission).

Conditions:
OPA1-related disorder. Also called: OPA1-related condition; OPA1-related disorders.

gnomAD v4.1: 108 of 1,568,502 alleles (0.0069%); highest among the groups gnomAD compares: Non-Finnish European, 0.0089%; no homozygotes.

Submission:

PreventionGenetics, part of Exact Sciences
Classification: Uncertain significance for OPA1-related condition. Last evaluated: 2026-03-03. Review status: criteria provided, single submitter. Criteria: ACMG Guidelines, 2015. Collection method: clinical testing. Allele origin: germline.
Comment: The OPA1 c.611-30A>G variant is predicted to interfere with splicing. This variant is predicted to impact splicing based on available splicing prediction programs (SpliceAI, Jaganathan et al. 2019. PubMed ID: 30661751). To our knowledge, this variant has not been reported in the literature. This variant is reported in 0.0093% of alleles in individuals of European (Non-Finnish) descent in gnomAD. At this time, the clinical significance of this variant is uncertain due to the absence of conclusive functional and genetic evidence.